The following is an entry in ClinVar:

ClinVar aggregate classification (germline): Pathogenic/Likely pathogenic. Review status: criteria provided, multiple submitters, no conflicts (2 of 4 stars). 2 submissions from 2 submitters: Pathogenic (1); Likely pathogenic (1). Last evaluated 2024-06-17.

Conditions:
Primary ciliary dyskinesia. Also called: Ciliary dyskinesia. Identifiers: Orphanet 244, MedGen C0008780, MONDO:0016575, HP:0012265.
Primary ciliary dyskinesia 7. Also called: CILIARY DYSKINESIA, PRIMARY, 7, WITH OR WITHOUT SITUS INVERSUS. Identifiers: Orphanet 244, MedGen C2678473, MONDO:0012748, OMIM 611884.

Allele frequency attached by ClinVar (database versions not stated): gnomAD exomes below 0.00001.
gnomAD v4.1: 1 of 1,613,464 alleles (0.000062%); highest among the groups gnomAD compares: Non-Finnish European, 0.000085%; no homozygotes.

Submissions (2):

Fulgent Genetics
Classification: Likely pathogenic for Primary ciliary dyskinesia 7. Last evaluated: 2024-06-17. Review status: criteria provided, single submitter. Criteria: ACMG Guidelines, 2015. Collection method: clinical testing. Allele origin: germline.

Labcorp Genetics (formerly Invitae), Labcorp
Classification: Pathogenic for Primary ciliary dyskinesia. Last evaluated: 2023-02-02. Review status: criteria provided, single submitter. Criteria: Invitae Variant Classification Sherloc (09022015). Collection method: clinical testing. Allele origin: germline.
Comment: This sequence change creates a premature translational stop signal (p.Glu1425*) in the DNAH11 gene. It is expected to result in an absent or disrupted protein product. Loss-of-function variants in DNAH11 are known to be pathogenic (PMID: 18022865, 20513915, 22184204). This variant is not present in population databases (gnomAD no frequency). This variant has not been reported in the literature in individuals affected with DNAH11-related conditions. Algorithms developed to predict the effect of sequence changes on RNA splicing suggest that this variant may create or strengthen a splice site. For these reasons, this variant has been classified as Pathogenic.

Literature cited by the submitters: PubMed 18022865 (cited by Labcorp Genetics (formerly Invitae), Labcorp); PubMed 20513915 (cited by Labcorp Genetics (formerly Invitae), Labcorp); PubMed 22184204 (cited by Labcorp Genetics (formerly Invitae), Labcorp).

NM_001277115.2(DNAH11):c.4273G>T (p.Glu1425Ter)

Gene: DNAH11 (dynein axonemal heavy chain 11; plus strand). Cytogenetic location: 7p15.3.
Variant type: single nucleotide variant.
Coding change: c.4273G>T on transcript NM_001277115.2 (MANE Select); coding-DNA position 4273, G replaced by T.
Protein change: p.Glu1425Ter; replaces glutamic acid 1425 with a stop codon.
Molecular consequence: nonsense.
Genome position (GRCh38, 1-based): chr7:21,619,118, G>T. VCF-style: chr7-21619118-G-T. GRCh37 (hg19) VCF-style: chr7-21658736-G-T.
Other names: c.4288G>T, p.Glu1430Ter (NM_003777.3); short protein forms E1430*, E1425*.
Identifiers: ClinVar variation 2158417 (VCV002158417.5), dbSNP rs1448862370, ClinGen allele CA366952526.